The following is an entry in ClinVar:

NM_000156.6(GAMT):c.418T>A (p.Ser140Thr)

Gene: GAMT (guanidinoacetate N-methyltransferase; minus strand). Cytogenetic location: 19p13.3.
Variant type: single nucleotide variant.
Coding change: c.418T>A on transcript NM_000156.6 (MANE Select); coding-DNA position 418, T replaced by A.
Protein change: p.Ser140Thr; replaces serine 140 with threonine.
Molecular consequence: missense variant.
Genome position (GRCh38, 1-based): chr19:1,399,169, A>T on the plus strand (T>A on the coding strand, the complement: GAMT is on the minus strand). VCF-style: chr19-1399169-A-T. GRCh37 (hg19) VCF-style: chr19-1399168-A-T.
Other names: c.418T>A, p.Ser140Thr (NM_138924.3); short protein forms S140T.
Identifiers: ClinVar variation 1979594 (VCV001979594.1), dbSNP rs2082618550, ClinGen allele CA402995281.
Genomic context (GRCh38, chr19:1,399,169, plus strand): 5'-GCAAGTCAGAGAGAACCACCTTGATGAAGTTGAACTGGTGTGTGTGCCAGGTCTCCTCCG[A>T]GAGTGGGTACGTGTCGTACAGGATCCCTGCACGGAGAACAGAAGCCCACGCGGTCAGGGC-3'
Protein context (NP_000147.1, residues 130-150): DGILYDTYPL[Ser140Thr]EETWHTHQFN

ClinVar aggregate classification (germline): Uncertain significance (1 of 4 stars; one submission).

Conditions:
Cerebral creatine deficiency syndrome. Also called: Creatine deficiency syndromes. Identifiers: Orphanet 79172, MedGen C5244016, MONDO:0000456.

Allele frequency attached by ClinVar (database versions not stated): gnomAD exomes below 0.00001; TOPMed 0.00001.
gnomAD v4.1: 1 of 1,613,734 alleles (0.000062%); highest among the groups gnomAD compares: Admixed American, 0.0017%; no homozygotes.

Submission:

Labcorp Genetics (formerly Invitae), Labcorp
Classification: Uncertain significance for Cerebral creatine deficiency syndrome. Last evaluated: 2022-05-05. Review status: criteria provided, single submitter. Criteria: Invitae Variant Classification Sherloc (09022015). Collection method: clinical testing. Allele origin: germline.
Comment: This sequence change replaces serine, which is neutral and polar, with threonine, which is neutral and polar, at codon 140 of the GAMT protein (p.Ser140Thr). This variant is not present in population databases (gnomAD no frequency). This variant has not been reported in the literature in individuals affected with GAMT-related conditions. Algorithms developed to predict the effect of missense changes on protein structure and function (SIFT, PolyPhen-2, Align-GVGD) all suggest that this variant is likely to be tolerated. In summary, the available evidence is currently insufficient to determine the role of this variant in disease. Therefore, it has been classified as a Variant of Uncertain Significance.